The following is an entry in ClinVar:

ClinVar aggregate classification (germline): Uncertain significance (1 of 4 stars; one submission).

Conditions:
Epileptic encephalopathy. Identifiers: MedGen C0543888, HP:0200134.

Allele frequency attached by ClinVar (database versions not stated): TOPMed 0.00001.

Submission:

Labcorp Genetics (formerly Invitae), Labcorp
Classification: Uncertain significance for Epileptic encephalopathy. Last evaluated: 2022-07-25. Review status: criteria provided, single submitter. Criteria: Invitae Variant Classification Sherloc (09022015). Collection method: clinical testing. Allele origin: germline.
Comment: Algorithms developed to predict the effect of missense changes on protein structure and function (SIFT, PolyPhen-2, Align-GVGD) all suggest that this variant is likely to be tolerated. ClinVar contains an entry for this variant (Variation ID: 1014286). This variant has not been reported in the literature in individuals affected with FASN-related conditions. This variant is not present in population databases (gnomAD no frequency). This sequence change replaces serine, which is neutral and polar, with asparagine, which is neutral and polar, at codon 2417 of the FASN protein (p.Ser2417Asn). In summary, the available evidence is currently insufficient to determine the role of this variant in disease. Therefore, it has been classified as a Variant of Uncertain Significance.

NM_004104.5(FASN):c.7250G>A (p.Ser2417Asn)

Genes: FASN (fatty acid synthase; minus strand), LOC129390948 (MPRA-validated peak3028 silencer; plus strand). Cytogenetic location: 17q25.3.
Variant type: single nucleotide variant.
Coding change: c.7250G>A on transcript NM_004104.5 (MANE Select); coding-DNA position 7250, G replaced by A.
Protein change: p.Ser2417Asn; replaces serine 2417 with asparagine.
Molecular consequence: missense variant.
Genome position (GRCh38, 1-based): chr17:82,079,505, C>T on the plus strand (G>A on the coding strand, the complement: FASN is on the minus strand). VCF-style: chr17-82079505-C-T. GRCh37 (hg19) VCF-style: chr17-80037381-C-T.
Other names: short protein forms S2417N.
Identifiers: ClinVar variation 1014286 (VCV001014286.9), dbSNP rs1312357934, ClinGen allele CA401595747.
Genomic context (GRCh38, chr17:82,079,505, plus strand): 5'-GCCTTGGGTGTGTACTGCTCAGCGGCACGCAGCTTGTAGTAGAAGGACCGGGCCGCAAAG[C>T]TCAGCTCCTGGCGGTCCAGGCCCTGGTGGCTCTTGATGATCAGGTCCACGGCGGCTGCCA-3'
Protein context (NP_004095.4, residues 2407-2427): SHQGLDRQEL[Ser2417Asn]FAARSFYYKL